The following is an entry in ClinVar:

NM_145861.4(EDARADD):c.359A>C (p.Asp120Ala)

Gene: EDARADD (EDAR associated via death domain; plus strand). Cytogenetic location: 1q43.
Variant type: single nucleotide variant.
Coding change: c.359A>C on transcript NM_145861.4 (MANE Select); coding-DNA position 359, A replaced by C.
Protein change: p.Asp120Ala; replaces aspartic acid 120 with alanine.
Molecular consequence: missense variant.
Genome position (GRCh38, 1-based): chr1:236,482,360, A>C. VCF-style: chr1-236482360-A-C. GRCh37 (hg19) VCF-style: chr1-236645660-A-C.
Other names: c.293A>C, p.Asp98Ala (NM_001422628.1); c.329A>C, p.Asp110Ala (NM_080738.5); short protein forms D110A, D120A, D98A.
Identifiers: ClinVar variation 1333297 (VCV001333297.1), dbSNP rs2103042605, ClinGen allele CA345353658.

ClinVar aggregate classification (germline): Likely pathogenic (1 of 4 stars; one submission).

Conditions:
Ectodermal dysplasia 11A, hypohidrotic/hair/tooth type, autosomal dominant. Identifiers: Orphanet 1810, Orphanet 238468, MedGen C3541517, MONDO:0013982, OMIM 614940.

Submission:

3billion
Classification: Likely pathogenic for Ectodermal dysplasia 11A, hypohidrotic/hair/tooth type, autosomal dominant. Last evaluated: 2022-01-03. Review status: criteria provided, single submitter. Criteria: ACMG Guidelines, 2015. Collection method: clinical testing. Allele origin: germline. Affected: yes. Observed: 1 heterozygote.
Comment: A different missense change at the same codon (p.Asp120Tyr) has been reported to be associated with EDARADD related disorder (PMID:20979233, PM5). In silico tool predictions suggest damaging effect of the variant on gene or gene product (REVEL: 0.9, PP3_P). A missense variant is a common mechanism associated with Ectodermal dysplasia 11A (PP2_P). It is not observed in the gnomAD v2.1.1 dataset (PM2_M). Patient's phenotype is considred compatible with Ectodermal dysplasia 11A, hypohidrotic/hair/tooth type, autosomal dominant. Therefore, this variant is classified as likley pathogenic according to the recommendation of ACMG/AMP guideline.

Literature cited by the submitters: PubMed 20979233.